The following is an entry in ClinVar:

ClinVar aggregate classification (germline): Uncertain significance (1 of 4 stars; one submission).

Submission:

Ambry Genetics
Classification: Uncertain significance. Last evaluated: 2025-11-05. Review status: criteria provided, single submitter. Criteria: Ambry Variant Classification Scheme 2023. Collection method: clinical testing. Allele origin: germline.
Comment: The c.743A>G (p.Q248R) alteration is located in exon 3 (coding exon 3) of the TSGA10IP gene. This alteration results from a A to G substitution at nucleotide position 743, causing the glutamine (Q) at amino acid position 248 to be replaced by an arginine (R). Based on data from gnomAD, the G allele has an overall frequency of <0.001% (1/247626) total alleles studied. The highest observed frequency was 0.007% (1/15318) of African alleles. Based on insufficient or conflicting evidence, the clinical significance of this alteration remains unclear.

NM_152762.3(TSGA10IP):c.743A>G (p.Gln248Arg)

Gene: TSGA10IP (testis specific 10 interacting protein; plus strand). Cytogenetic location: 11q13.1.
Variant type: single nucleotide variant.
Coding change: c.743A>G on transcript NM_152762.3 (MANE Select); coding-DNA position 743, A replaced by G.
Protein change: p.Gln248Arg; replaces glutamine 248 with arginine.
Molecular consequence: missense variant. On other transcripts: intron variant (2).
Genome position (GRCh38, 1-based): chr11:65,947,568, A>G. VCF-style: chr11-65947568-A-G. GRCh37 (hg19) VCF-style: chr11-65715039-A-G.
Other names: c.743A>G, p.Gln248Arg (NM_001395491.1); c.335A>G, p.Gln112Arg (NM_001395492.1, NM_001395493.1); c.119-433A>G (NM_001395495.1); c.148-477A>G (NM_001395494.1); short protein forms Q112R, Q248R.
Identifiers: ClinVar variation 4599804 (VCV004599804.1).
Genomic context (GRCh38, chr11:65,947,568, plus strand): 5'-GTCTGAGTTCTGGGGTGCTGCCCCAGCGCCCCAGGAGGGGGTCGATCTCAGAGGAGGAGC[A>G]ATTTTCAGAGGCCACAGAGGAGGCTGAGGAGGGAGAGCACAGGACTCCCTGCAGAAGGAG-3'
Protein context (NP_689975.2, residues 238-258): PRRGSISEEE[Gln248Arg]FSEATEEAEE